The following is an entry in ClinVar:

ClinVar aggregate classification (germline): Uncertain significance (1 of 4 stars; one submission).

Conditions:
Peroxisome biogenesis disorder 3A (Zellweger). Also called: Peroxisome biogenesis disorder 3A; PEROXISOMAL BIOGENESIS DISORDER 3A (ZELLWEGER). Identifiers: Orphanet 912, MedGen C3553929, MONDO:0013927, OMIM 614859.

Allele frequency attached by ClinVar (database versions not stated): gnomAD 0.00001.
gnomAD v4.1: 2 of 1,614,028 alleles (0.00012%); highest among the groups gnomAD compares: African/African-American, 0.0027%; no homozygotes.

Submission:

Labcorp Genetics (formerly Invitae), Labcorp
Classification: Uncertain significance for Peroxisome biogenesis disorder 3A (Zellweger). Last evaluated: 2024-02-20. Review status: criteria provided, single submitter. Criteria: Invitae Variant Classification Sherloc (09022015). Collection method: clinical testing. Allele origin: germline.
Comment: This sequence change replaces glutamine, which is neutral and polar, with glutamic acid, which is acidic and polar, at codon 101 of the PEX12 protein (p.Gln101Glu). This variant is present in population databases (no rsID available, gnomAD 0.02%). This variant has not been reported in the literature in individuals affected with PEX12-related conditions. ClinVar contains an entry for this variant (Variation ID: 1346552). Advanced modeling of protein sequence and biophysical properties (such as structural, functional, and spatial information, amino acid conservation, physicochemical variation, residue mobility, and thermodynamic stability) performed at Invitae indicates that this missense variant is not expected to disrupt PEX12 protein function with a negative predictive value of 80%. In summary, the available evidence is currently insufficient to determine the role of this variant in disease. Therefore, it has been classified as a Variant of Uncertain Significance.

NM_000286.3(PEX12):c.301C>G (p.Gln101Glu)

Gene: PEX12 (peroxisomal biogenesis factor 12; minus strand). Cytogenetic location: 17q12.
Variant type: single nucleotide variant.
Coding change: c.301C>G on transcript NM_000286.3 (MANE Select); coding-DNA position 301, C replaced by G.
Protein change: p.Gln101Glu; replaces glutamine 101 with glutamic acid.
Molecular consequence: missense variant.
Genome position (GRCh38, 1-based): chr17:35,577,417, G>C on the plus strand (C>G on the coding strand, the complement: PEX12 is on the minus strand). VCF-style: chr17-35577417-G-C. GRCh37 (hg19) VCF-style: chr17-33904436-G-C.
Other names: short protein forms Q101E.
Identifiers: ClinVar variation 1346552 (VCV001346552.7), dbSNP rs1316034375, ClinGen allele CA399138427.